The following is an entry in ClinVar:

NM_004168.4(SDHA):c.993C>T (p.Ala331=)

Gene: SDHA (succinate dehydrogenase complex flavoprotein subunit A; plus strand). Cytogenetic location: 5p15.33.
Variant type: single nucleotide variant.
Coding change: c.993C>T on transcript NM_004168.4 (MANE Select); coding-DNA position 993, C replaced by T.
Protein change: p.Ala331=; no amino-acid change (alanine 331 retained).
Molecular consequence: synonymous variant.
Genome position (GRCh38, 1-based): chr5:233,574, C>T. VCF-style: chr5-233574-C-T. GRCh37 (hg19) VCF-style: chr5-233689-C-T.
Other names: c.849C>T, p.Ala283= (NM_001294332.2); c.993C>T, p.Ala331= (NM_001330758.2).
Identifiers: ClinVar variation 762495 (VCV000762495.12), dbSNP rs1424925197, ClinGen allele CA442691699.
Genomic context (GRCh38, chr5:233,574, plus strand): 5'-TCGTGGAGAGGGAGGCATTCTCATTAACAGTCAAGGCGAAAGGTTTATGGAGCGATACGC[C>T]CCTGTCGCGAAGGACCTGGCGTCTAGAGATGTGGTGTCTCGGTCCATGACTCTGGAGATC-3'
Protein context (NP_004159.2, residues 321-341): SQGERFMERY[Ala331=]PVAKDLASRD

ClinVar aggregate classification (germline): Benign/Likely benign. Review status: criteria provided, multiple submitters, no conflicts (2 of 4 stars). 3 submissions from 3 submitters: Benign (1); Likely benign (2). Last evaluated 2026-01-19.

Conditions:
Pheochromocytoma/paraganglioma syndrome 5. Also called: Paragangliomas 5; SDHA-Related Hereditary Paraganglioma-Pheochromocytoma Syndrome. Identifiers: Orphanet 29072, MedGen C3279992, MONDO:0013602, OMIM 614165.
Mitochondrial complex II deficiency, nuclear type 1. Also called: SUCCINATE CoQ REDUCTASE DEFICIENCY. Identifiers: Orphanet 3208, MedGen C5700310, MONDO:0100294, OMIM 252011.
Hereditary cancer-predisposing syndrome. Also called: Tumor predisposition; Hereditary neoplastic syndrome; Neoplastic Syndromes, Hereditary; Hereditary Cancer Syndrome. Identifiers: Orphanet 140162, MedGen C0027672, MeSH D009386, MONDO:0015356.

Allele frequency attached by ClinVar (database versions not stated): gnomAD exomes below 0.00001.
gnomAD v4.1: 2 of 1,614,166 alleles (0.00012%); highest among the groups gnomAD compares: Non-Finnish European, 0.00017%; no homozygotes.

Submissions (3):

Labcorp Genetics (formerly Invitae), Labcorp
Classification: Likely benign for Pheochromocytoma/paraganglioma syndrome 5; Mitochondrial complex II deficiency, nuclear type 1. Last evaluated: 2026-01-19. Review status: criteria provided, single submitter. Criteria: Invitae Variant Classification Sherloc (09022015). Collection method: clinical testing. Allele origin: germline.

Myriad Genetics, Inc.
Classification: Benign for Pheochromocytoma/paraganglioma syndrome 5. Last evaluated: 2025-03-07. Review status: criteria provided, single submitter. Criteria: Myriad Autosomal Dominant, Autosomal Recessive and X-Linked Classification Criteria (2023). Collection method: clinical testing. Allele origin: unknown.
Comment: This variant is considered benign. This variant is a silent/synonymous amino acid change and it is not expected to impact splicing.

Ambry Genetics
Classification: Likely benign for Hereditary cancer-predisposing syndrome. Last evaluated: 2022-05-01. Review status: criteria provided, single submitter. Criteria: Ambry Variant Classification Scheme 2023. Collection method: clinical testing. Allele origin: germline.